The following is an entry in ClinVar:

ClinVar aggregate classification (germline): Uncertain significance (1 of 4 stars; one submission).

Allele frequency attached by ClinVar (database versions not stated): ExAC 0.00001; gnomAD exomes 0.00001.
gnomAD v4.1: 2 of 1,614,094 alleles (0.00012%); highest among the groups gnomAD compares: Admixed American, 0.0033%; no homozygotes.

Submission:

GeneDx
Classification: Uncertain significance. Last evaluated: 2020-01-09. Review status: criteria provided, single submitter. Criteria: GeneDx Variant Classification Process June 2021. Collection method: clinical testing. Allele origin: germline. Affected: yes.
Comment: In silico analysis, which includes protein predictors and evolutionary conservation, supports that this variant does not alter protein structure/function; Has not been previously published as pathogenic or benign to our knowledge

NM_000460.4(THPO):c.307G>A (p.Gly103Arg)

Gene: THPO (thrombopoietin; minus strand). Cytogenetic location: 3q27.1.
Variant type: single nucleotide variant.
Coding change: c.307G>A on transcript NM_000460.4 (MANE Select); coding-DNA position 307, G replaced by A.
Protein change: p.Gly103Arg; replaces glycine 103 with arginine.
Molecular consequence: missense variant.
Genome position (GRCh38, 1-based): chr3:184,373,504, C>T on the plus strand (G>A on the coding strand, the complement: THPO is on the minus strand). VCF-style: chr3-184373504-C-T. GRCh37 (hg19) VCF-style: chr3-184091292-C-T.
Other names: c.307G>A, p.Gly103Arg (NM_001177597.2, NM_001177598.2, NM_001289997.1 and 5 more transcripts); c.727G>A, p.Gly243Arg (NM_001290003.1); short protein forms G103R, G243R.
Identifiers: ClinVar variation 1310798 (VCV001310798.2), dbSNP rs759092382, ClinGen allele CA2734993.